The following is an entry in ClinVar:

NC_000018.9:g.(?_59819871)_(59824934_?)del

Gene: PIGN (phosphatidylinositol glycan anchor biosynthesis class N; minus strand). Cytogenetic location: 18q21.33.
Variant type: Deletion.
Identifiers: ClinVar variation 3242782 (VCV003242782.1).

ClinVar aggregate classification (germline): Pathogenic (1 of 4 stars; one submission).

Conditions:
Multiple congenital anomalies-hypotonia-seizures syndrome 1 (MCAHS1). Also called: GLYCOSYLPHOSPHATIDYLINOSITOL BIOSYNTHESIS DEFECT 3; PIGN-CDG; Congenital disorder of glycosylation due to PIGN deficiency. Identifiers: Orphanet 280633, MedGen C3279775, MONDO:0013563, OMIM 614080.

Submission:

Labcorp Genetics (formerly Invitae), Labcorp
Classification: Pathogenic for Multiple congenital anomalies-hypotonia-seizures syndrome 1. Last evaluated: 2024-01-15. Review status: criteria provided, single submitter. Criteria: Invitae Variant Classification Sherloc (09022015). Collection method: clinical testing. Allele origin: unknown.
Comment: This variant results in the deletion of exons 6-7 and part of exon 5 (c.329_549+1907del) of the PIGN gene. It is expected to disrupt RNA splicing. Variants that disrupt the donor or acceptor splice site typically lead to a loss of protein function (PMID: 16199547), and loss-of-function variants in PIGN are known to be pathogenic (PMID: 24253414, 27038415). This variant has been observed in individuals with PIGN-congenital disorder of glycosylation (PMID: 29330547). It has also been observed to segregate with disease in related individuals. ClinVar contains an entry for this variant (Variation ID: 856025). For these reasons, this variant has been classified as Pathogenic.

Literature cited by the submitters: PubMed 16199547; PubMed 24253414; PubMed 27038415; PubMed 29330547.